The following is an entry in ClinVar:

ClinVar aggregate classification (germline): Likely benign (1 of 4 stars; one submission).

Allele frequency attached by ClinVar (database versions not stated): gnomAD exomes 0.00001; gnomAD 0.00002; TOPMed 0.00003.

Submission:

CeGaT Center for Human Genetics Tuebingen
Classification: Likely benign. Last evaluated: 2022-11-01. Review status: criteria provided, single submitter. Criteria: CeGaT Center For Human Genetics Tuebingen Variant Classification Criteria Version 2. Collection method: clinical testing. Allele origin: germline. Affected: yes. Observed: 1 variant allele.
Comment: AHDC1: BP4, BP7

NM_001371928.1(AHDC1):c.855G>A (p.Pro285=)

Gene: AHDC1 (AT-hook DNA binding motif containing 1; minus strand). Cytogenetic location: 1p36.11.
Variant type: single nucleotide variant.
Coding change: c.855G>A on transcript NM_001371928.1 (MANE Select); coding-DNA position 855, G replaced by A.
Protein change: p.Pro285=; no amino-acid change (proline 285 retained).
Molecular consequence: synonymous variant.
Genome position (GRCh38, 1-based): chr1:27,551,261, C>T on the plus strand (G>A on the coding strand, the complement: AHDC1 is on the minus strand). VCF-style: chr1-27551261-C-T. GRCh37 (hg19) VCF-style: chr1-27877772-C-T.
Other names: c.855G>A, p.Pro285= (NM_001029882.3).
Identifiers: ClinVar variation 2638573 (VCV002638573.24), dbSNP rs781412412, ClinGen allele CA716064.